The following is an entry in ClinVar:

ClinVar aggregate classification (germline): Uncertain significance (1 of 4 stars; one submission).

Allele frequency attached by ClinVar (database versions not stated): gnomAD exomes 0.00002.
gnomAD v4.1: 23 of 1,205,715 alleles (0.0019%); highest among the groups gnomAD compares: Non-Finnish European, 0.0024%; no homozygotes.

Submission:

Labcorp Genetics (formerly Invitae), Labcorp
Classification: Uncertain significance. Last evaluated: 2023-06-25. Review status: criteria provided, single submitter. Criteria: Invitae Variant Classification Sherloc (09022015). Collection method: clinical testing. Allele origin: germline.
Comment: In summary, the available evidence is currently insufficient to determine the role of this variant in disease. Therefore, it has been classified as a Variant of Uncertain Significance. Algorithms developed to predict the effect of sequence changes on RNA splicing suggest that this variant may create or strengthen a splice site. Advanced modeling of protein sequence and biophysical properties (such as structural, functional, and spatial information, amino acid conservation, physicochemical variation, residue mobility, and thermodynamic stability) performed at Invitae indicates that this missense variant is not expected to disrupt HCCS protein function. This variant has not been reported in the literature in individuals affected with HCCS-related conditions. This variant is present in population databases (no rsID available, gnomAD 0.001%). This sequence change replaces tyrosine, which is neutral and polar, with cysteine, which is neutral and slightly polar, at codon 61 of the HCCS protein (p.Tyr61Cys).

NM_005333.5(HCCS):c.182A>G (p.Tyr61Cys)

Gene: HCCS (holocytochrome c synthase; plus strand). Cytogenetic location: Xp22.2.
Variant type: single nucleotide variant.
Coding change: c.182A>G on transcript NM_005333.5 (MANE Select); coding-DNA position 182, A replaced by G.
Protein change: p.Tyr61Cys; replaces tyrosine 61 with cysteine.
Molecular consequence: missense variant.
Genome position (GRCh38, 1-based): chrX:11,114,916, A>G. VCF-style: chrX-11114916-A-G. GRCh37 (hg19) VCF-style: chrX-11133036-A-G.
Other names: c.182A>G, p.Tyr61Cys (NM_001122608.3, NM_001171991.3); short protein forms Y61C.
Identifiers: ClinVar variation 2918497 (VCV002918497.3), dbSNP rs978335655, ClinGen allele CA326669722.
Genomic context (GRCh38, chrX:11,114,916, plus strand): 5'-CATCTGGCCCAACCTGTGAGAAGAAAACATACTCTGTGCCTGCCCACCAGGAACGCGCCT[A>G]TGAGTACGTGGAGTGTCCCATTAGGGGCACTGCGGCTGAGAATAAGGAGAACCTAGATCC-3'
Protein context (NP_005324.3, residues 51-71): YSVPAHQERA[Tyr61Cys]EYVECPIRGT